The following is an entry in ClinVar:

NM_001349798.2(FBXW7):c.1631T>G (p.Val544Gly)

Gene: FBXW7 (F-box and WD repeat domain containing 7; minus strand). Cytogenetic location: 4q31.3.
Variant type: single nucleotide variant.
Coding change: c.1631T>G on transcript NM_001349798.2 (MANE Select); coding-DNA position 1631, T replaced by G.
Protein change: p.Val544Gly; replaces valine 544 with glycine.
Molecular consequence: missense variant.
Genome position (GRCh38, 1-based): chr4:152,326,019, A>C on the plus strand (T>G on the coding strand, the complement: FBXW7 is on the minus strand). VCF-style: chr4-152326019-A-C. GRCh37 (hg19) VCF-style: chr4-153247171-A-C.
Other names: c.1277T>G, p.Val426Gly (NM_001013415.2); c.1391T>G, p.Val464Gly (NM_018315.5); c.1631T>G, p.Val544Gly (NM_033632.3); short protein forms V426G, V464G, V544G.
Identifiers: ClinVar variation 4880925 (VCV004880925.2).

ClinVar aggregate classification (germline): Uncertain significance (1 of 4 stars; one submission).

Submission:

Dasa
Classification: Uncertain significance. Last evaluated: 2025-09-23. Review status: criteria provided, single submitter. Criteria: DASA Assertion Criteria. Collection method: clinical testing. Allele origin: germline.
Comment: NM_001349798.2(FBXW7):c.1631T>G (p.Val544Gly) is a missense variant that results in the substitution of valine with glycine. The affected residue or protein region has prior evidence supporting clinical relevance. This variant is absent from population databases. Computational prediction algorithms are consistent with a deleterious effect. The currently available literature and clinical evidence are not sufficient to establish a definitive association between this variant and the reported condition. Therefore, this variant is classified as a variant of uncertain significance.